The following is an entry in ClinVar:

NM_153682.3(PIGP):c.181T>G (p.Tyr61Asp)

Gene: PIGP (phosphatidylinositol glycan anchor biosynthesis class P; minus strand). Cytogenetic location: 21q22.13.
Variant type: single nucleotide variant.
Coding change: c.181T>G on transcript NM_153682.3 (MANE Select); coding-DNA position 181, T replaced by G.
Protein change: p.Tyr61Asp; replaces tyrosine 61 with aspartic acid.
Molecular consequence: missense variant.
Genome position (GRCh38, 1-based): chr21:37,067,355, A>C on the plus strand (T>G on the coding strand, the complement: PIGP is on the minus strand). VCF-style: chr21-37067355-A-C. GRCh37 (hg19) VCF-style: chr21-38439655-A-C.
Other names: c.181T>G, p.Tyr61Asp (NM_001320480.2); c.103T>G, p.Tyr35Asp (NM_016430.4); c.253T>G, p.Tyr85Asp (NM_153681.2); short protein forms Y61D, Y35D, Y85D.
Identifiers: ClinVar variation 3699913 (VCV003699913.2).

ClinVar aggregate classification (germline): Uncertain significance (1 of 4 stars; one submission).

Submission:

Labcorp Genetics (formerly Invitae), Labcorp
Classification: Uncertain significance. Last evaluated: 2024-10-10. Review status: criteria provided, single submitter. Criteria: Invitae Variant Classification Sherloc (09022015). Collection method: clinical testing. Allele origin: germline.
Comment: This sequence change replaces tyrosine, which is neutral and polar, with aspartic acid, which is acidic and polar, at codon 85 of the PIGP protein (p.Tyr85Asp). This variant is not present in population databases (gnomAD no frequency). This variant has not been reported in the literature in individuals affected with PIGP-related conditions. An algorithm developed to predict the effect of missense changes on protein structure and function (PolyPhen-2) suggests that this variant is likely to be disruptive. In summary, the available evidence is currently insufficient to determine the role of this variant in disease. Therefore, it has been classified as a Variant of Uncertain Significance.